The following is an entry in ClinVar:

NM_001035.3(RYR2):c.14041G>A (p.Asp4681Asn)

Gene: RYR2 (ryanodine receptor 2; plus strand). Cytogenetic location: 1q43.
Variant type: single nucleotide variant.
Coding change: c.14041G>A on transcript NM_001035.3 (MANE Select); coding-DNA position 14041, G replaced by A.
Protein change: p.Asp4681Asn; replaces aspartic acid 4681 with asparagine.
Molecular consequence: missense variant.
Genome position (GRCh38, 1-based): chr1:237,798,121, G>A. VCF-style: chr1-237798121-G-A. GRCh37 (hg19) VCF-style: chr1-237961421-G-A.
Other names: short protein forms D4681N.
Identifiers: ClinVar variation 919031 (VCV000919031.9), dbSNP rs1478475074, ClinGen allele CA345419842.

ClinVar aggregate classification (germline): Uncertain significance. Review status: criteria provided, multiple submitters, no conflicts (2 of 4 stars). 3 submissions from 3 submitters: Uncertain significance (3). Last evaluated 2024-03-28.

Conditions:
Catecholaminergic polymorphic ventricular tachycardia (CVPT). Also called: Catecholamine-induced polymorphic ventricular tachycardia. Identifiers: Orphanet 3286, MedGen C5574922, MONDO:0017990.
Cardiomyopathy (CMYO). Also called: Cardiomyopathies. Identifiers: Orphanet 167848, MedGen C0878544, MONDO:0004994, HP:0001638. Inheritance: Various modes of inheritance.
Catecholaminergic polymorphic ventricular tachycardia 1. Also called: VENTRICULAR TACHYCARDIA, CATECHOLAMINERGIC POLYMORPHIC, 1, WITH OR WITHOUT ATRIAL DYSFUNCTION AND/OR DILATED CARDIOMYOPATHY; RYR2-Related Catecholaminergic Polymorphic Ventricular Tachycardia; VENTRICULAR TACHYCARDIA, STRESS-INDUCED POLYMORPHIC 1. Identifiers: Orphanet 3286, MedGen C1631597, MONDO:0011484, OMIM 604772.

Allele frequency attached by ClinVar (database versions not stated): gnomAD 0.00001; TOPMed 0.00001.
gnomAD v4.1: 2 of 1,611,928 alleles (0.00012%); highest among the groups gnomAD compares: Non-Finnish European, 0.00017%; no homozygotes.

Submissions (3):

Labcorp Genetics (formerly Invitae), Labcorp
Classification: Uncertain significance for Catecholaminergic polymorphic ventricular tachycardia 1. Last evaluated: 2024-03-28. Review status: criteria provided, single submitter. Criteria: Invitae Variant Classification Sherloc (09022015). Collection method: clinical testing. Allele origin: germline.
Comment: This sequence change replaces aspartic acid, which is acidic and polar, with asparagine, which is neutral and polar, at codon 4681 of the RYR2 protein (p.Asp4681Asn). This variant is not present in population databases (gnomAD no frequency). This variant has not been reported in the literature in individuals affected with RYR2-related conditions. ClinVar contains an entry for this variant (Variation ID: 919031). Advanced modeling of protein sequence and biophysical properties (such as structural, functional, and spatial information, amino acid conservation, physicochemical variation, residue mobility, and thermodynamic stability) performed at Invitae indicates that this missense variant is not expected to disrupt RYR2 protein function with a negative predictive value of 95%. In summary, the available evidence is currently insufficient to determine the role of this variant in disease. Therefore, it has been classified as a Variant of Uncertain Significance.

Color Diagnostics, LLC DBA Color Health
Classification: Uncertain significance for Cardiomyopathy. Last evaluated: 2023-12-05. Review status: criteria provided, single submitter. Criteria: ACMG Guidelines, 2015. Collection method: clinical testing. Allele origin: germline.
Comment: This missense variant replaces aspartic acid with asparagine at codon 4681 of the RYR2 protein. Computational prediction tools and conservation analyses are inconclusive regarding the impact of this variant on the protein function. Computational splicing tools suggest that this variant may not impact RNA splicing. To our knowledge, functional assays have not been performed for this variant nor has this variant been reported in individuals affected with cardiovascular disorders in the literature. This variant has not been identified in the general population by the Genome Aggregation Database (gnomAD). Available evidence is insufficient to determine the role of this variant in disease conclusively. Therefore, this variant is classified as a Variant of Uncertain Significance.

All of Us Research Program, National Institutes of Health
Classification: Uncertain significance for Catecholaminergic polymorphic ventricular tachycardia. Last evaluated: 2023-11-28. Review status: criteria provided, single submitter. Criteria: ACMG Guidelines, 2015. Collection method: clinical testing. Allele origin: germline. Inheritance: Autosomal dominant inheritance. Observed: 1 variant allele, 1 heterozygote.
Comment: This missense variant replaces aspartic acid with asparagine at codon 4681 of the RYR2 protein. Computational prediction tools and conservation analyses are inconclusive regarding the impact of this variant on the protein function. Computational splicing tools suggest that this variant may not impact RNA splicing. To our knowledge, functional assays have not been performed for this variant nor has this variant been reported in individuals affected with cardiovascular disorders in the literature. This variant has not been identified in the general population by the Genome Aggregation Database (gnomAD). Available evidence is insufficient to determine the role of this variant in disease conclusively. Therefore, this variant is classified as a Variant of Uncertain Significance.

This study involves interpretation of variants in research participants for the purpose of population health screening. Participant phenotype was not available at the time of variant classification. Additional details can be found in publication PMID: 35346344, PMCID: PMC8962531